The following is an entry in ClinVar:

NM_000257.4(MYH7):c.5013C>T (p.Ile1671=)

Genes: MHRT (myosin heavy chain associated RNA transcript; plus strand), MYH7 (myosin heavy chain 7; minus strand), LOC126861897 (BRD4-independent group 4 enhancer GRCh37_chr14:23884455-23885654; plus strand). Cytogenetic location: 14q11.2.
Variant type: single nucleotide variant.
Coding change: c.5013C>T on transcript NM_000257.4 (MANE Select); coding-DNA position 5013, C replaced by T.
Protein change: p.Ile1671=; no amino-acid change (isoleucine 1671 retained).
Molecular consequence: synonymous variant. On other transcripts: non-coding transcript variant (1).
Genome position (GRCh38, 1-based): chr14:23,415,773, G>A on the plus strand (C>T on the coding strand, the complement: MYH7 is on the minus strand). VCF-style: chr14-23415773-G-A. GRCh37 (hg19) VCF-style: chr14-23884982-G-A.
Other names: c.5013C>T (LRG_384t1).
Identifiers: ClinVar variation 626541 (VCV000626541.19), dbSNP rs779978846, ClinGen allele CA044766.

ClinVar aggregate classification (germline): Benign/Likely benign. Review status: criteria provided, multiple submitters, no conflicts (2 of 4 stars). 6 submissions from 6 submitters: Benign (1); Likely benign (5). Last evaluated 2025-08-09.

Conditions:
Cardiomyopathy (CMYO). Also called: Cardiomyopathies. Identifiers: Orphanet 167848, MedGen C0878544, MONDO:0004994, HP:0001638. Inheritance: Various modes of inheritance.
Hypertrophic cardiomyopathy. Also called: HYPERTROPHIC MYOCARDIOPATHY. Identifiers: Orphanet 217569, MedGen C0007194, MeSH D002312, MONDO:0005045, HP:0001639.
Cardiovascular phenotype. Identifiers: MedGen CN230736.

Allele frequency attached by ClinVar (database versions not stated): TOPMed 0.00002.
gnomAD v4.1: 21 of 1,614,220 alleles (0.0013%); highest among the groups gnomAD compares: African/African-American, 0.004%; no homozygotes.

Submissions (6):

Labcorp Genetics (formerly Invitae), Labcorp
Classification: Likely benign for Hypertrophic cardiomyopathy. Last evaluated: 2025-08-09. Review status: criteria provided, single submitter. Criteria: Invitae Variant Classification Sherloc (09022015). Collection method: clinical testing. Allele origin: germline.

All of Us Research Program, National Institutes of Health
Classification: Likely benign for Cardiomyopathy. Last evaluated: 2023-11-02. Review status: criteria provided, single submitter. Criteria: ACMG Guidelines, 2015. Collection method: clinical testing. Allele origin: germline. Inheritance: Autosomal dominant inheritance. Observed: 3 variant alleles, 3 heterozygotes.
Comment: This study involves interpretation of variants in research participants for the purpose of population health screening. Participant phenotype was not available at the time of variant classification. Additional details can be found in publication PMID: 35346344, PMCID: PMC8962531

CHEO Genetics Diagnostic Laboratory, Children's Hospital of Eastern Ontario
Classification: Likely benign for Cardiomyopathy. Last evaluated: 2022-10-25. Review status: criteria provided, single submitter. Criteria: ACMG Guidelines, 2015. Collection method: clinical testing. Allele origin: germline. Study: Canadian Open Genetics Repository.

Ambry Genetics
Classification: Likely benign for Cardiovascular phenotype. Last evaluated: 2021-05-26. Review status: criteria provided, single submitter. Criteria: Ambry Variant Classification Scheme 2023. Collection method: clinical testing. Allele origin: germline.

Color Diagnostics, LLC DBA Color Health
Classification: Likely benign for Cardiomyopathy. Last evaluated: 2019-08-14. Review status: criteria provided, single submitter. Criteria: ACMG Guidelines, 2015. Collection method: clinical testing. Allele origin: germline.

GeneDx
Classification: Benign. Last evaluated: 2015-03-03. Review status: criteria provided, single submitter. Criteria: GeneDx Variant Classification Process June 2021. Collection method: clinical testing. Allele origin: germline. Affected: yes.